The following is an entry in ClinVar:

NM_001111.5(ADAR):c.1370A>G (p.Asp457Gly)

Gene: ADAR (adenosine deaminase RNA specific; minus strand). Cytogenetic location: 1q21.3.
Variant type: single nucleotide variant.
Coding change: c.1370A>G on transcript NM_001111.5 (MANE Select); coding-DNA position 1370, A replaced by G.
Protein change: p.Asp457Gly; replaces aspartic acid 457 with glycine.
Molecular consequence: missense variant.
Genome position (GRCh38, 1-based): chr1:154,601,272, T>C on the plus strand (A>G on the coding strand, the complement: ADAR is on the minus strand). VCF-style: chr1-154601272-T-C. GRCh37 (hg19) VCF-style: chr1-154573748-T-C.
Other names: c.1370A>G, p.Asp457Gly (NM_015840.4, NM_015841.4); c.485A>G, p.Asp162Gly (NM_001365049.1, NM_001025107.3, NM_001193495.2 and 3 more transcripts); c.1397A>G, p.Asp466Gly (NM_001365045.1); short protein forms D162G, D457G, D466G.
Identifiers: ClinVar variation 2950915 (VCV002950915.3), dbSNP rs2526648540, ClinGen allele CA342596641.
Genomic context (GRCh38, chr1:154,601,272, plus strand): 5'-ATGATGGCTCGAAACTCACCTGGTGCTGCGCGGATACTATTCAAGTCATCTGGGATGTCA[T>C]CTGTGGCCCACTGGCCATTTTCAAAGTCAACATACCCTGCTTTTGAGGGGCCATTGTAAT-3'
Protein context (NP_001102.3, residues 447-467): VDFENGQWAT[Asp457Gly]DIPDDLNSIR

ClinVar aggregate classification (germline): Uncertain significance (1 of 4 stars; one submission).

Conditions:
Symmetrical dyschromatosis of extremities (DSH). Also called: DYSCHROMATOSIS SYMMETRICA HEREDITARIA 1; RETICULATE ACROPIGMENTATION OF DOHI; SYMMETRIC DYSCHROMATOSIS OF THE EXTREMITIES; Dyschromatosis symmetrica hereditaria. Identifiers: Orphanet 41, MedGen C0406775, MONDO:0007483, OMIM 127400.
Aicardi-Goutieres syndrome 6 (AGS6). Identifiers: Orphanet 51, MedGen C3539013, MONDO:0014007, OMIM 615010.

Submission:

Labcorp Genetics (formerly Invitae), Labcorp
Classification: Uncertain significance for Aicardi-Goutieres syndrome 6; Symmetrical dyschromatosis of extremities. Last evaluated: 2023-08-11. Review status: criteria provided, single submitter. Criteria: Invitae Variant Classification Sherloc (09022015). Collection method: clinical testing. Allele origin: germline.
Comment: In summary, the available evidence is currently insufficient to determine the role of this variant in disease. Therefore, it has been classified as a Variant of Uncertain Significance. Advanced modeling of protein sequence and biophysical properties (such as structural, functional, and spatial information, amino acid conservation, physicochemical variation, residue mobility, and thermodynamic stability) performed at Invitae indicates that this missense variant is expected to disrupt ADAR protein function. This variant has not been reported in the literature in individuals affected with ADAR-related conditions. This variant is not present in population databases (gnomAD no frequency). This sequence change replaces aspartic acid, which is acidic and polar, with glycine, which is neutral and non-polar, at codon 457 of the ADAR protein (p.Asp457Gly).